The following is an entry in ClinVar:

NM_015602.4(TOR1AIP1):c.1465A>T (p.Thr489Ser)

Gene: TOR1AIP1 (torsin 1A interacting protein 1; plus strand). Cytogenetic location: 1q25.2.
Variant type: single nucleotide variant.
Coding change: c.1465A>T on transcript NM_015602.4 (MANE Select); coding-DNA position 1465, A replaced by T.
Protein change: p.Thr489Ser; replaces threonine 489 with serine.
Molecular consequence: missense variant.
Genome position (GRCh38, 1-based): chr1:179,917,952, A>T. VCF-style: chr1-179917952-A-T. GRCh37 (hg19) VCF-style: chr1-179887087-A-T.
Other names: c.1468A>T, p.Thr490Ser (NM_001267578.2); short protein forms T489S, T490S.
Identifiers: ClinVar variation 1019370 (VCV001019370.11), dbSNP rs375127929, ClinGen allele CA343575357.

ClinVar aggregate classification (germline): Uncertain significance (1 of 4 stars; one submission).

Conditions:
Autosomal recessive limb-girdle muscular dystrophy type 2Y (MRRSDC). Also called: Muscular dystrophy, limb-girdle, type 2y; Muscular dystrophy, autosomal recessive, with rigid spine and distal joint contractures. Identifiers: Orphanet 424261, MedGen C4511482, MONDO:0014900, OMIM 617072.

Submission:

Labcorp Genetics (formerly Invitae), Labcorp
Classification: Uncertain significance for Autosomal recessive limb-girdle muscular dystrophy type 2Y. Last evaluated: 2020-01-13. Review status: criteria provided, single submitter. Criteria: Invitae Variant Classification Sherloc (09022015). Collection method: clinical testing. Allele origin: germline.
Comment: This variant is not present in population databases (ExAC no frequency). In summary, the available evidence is currently insufficient to determine the role of this variant in disease. Therefore, it has been classified as a Variant of Uncertain Significance. Algorithms developed to predict the effect of missense changes on protein structure and function (SIFT, PolyPhen-2, Align-GVGD) all suggest that this variant is likely to be disruptive, but these predictions have not been confirmed by published functional studies and their clinical significance is uncertain. This variant has not been reported in the literature in individuals with TOR1AIP1-related conditions. This sequence change replaces threonine with serine at codon 490 of the TOR1AIP1 protein (p.Thr490Ser). The threonine residue is highly conserved and there is a small physicochemical difference between threonine and serine.